The following is an entry in ClinVar:

NM_004991.4(MECOM):c.773A>C (p.Glu258Ala)

Gene: MECOM (MDS1 and EVI1 complex locus; minus strand). Cytogenetic location: 3q26.2.
Variant type: single nucleotide variant.
Coding change: c.773A>C on transcript NM_004991.4 (MANE Select); coding-DNA position 773, A replaced by C.
Protein change: p.Glu258Ala; replaces glutamic acid 258 with alanine.
Molecular consequence: missense variant.
Genome position (GRCh38, 1-based): chr3:169,127,901, T>G on the plus strand (A>C on the coding strand, the complement: MECOM is on the minus strand). VCF-style: chr3-169127901-T-G. GRCh37 (hg19) VCF-style: chr3-168845689-T-G.
Other names: c.401A>C, p.Glu134Ala (NM_001105077.4); c.209A>C, p.Glu70Ala (NM_001105078.4, NM_001163999.2, NM_001164000.2 and 9 more transcripts); c.773A>C, p.Glu258Ala (NM_001366466.2, NM_001366473.2); short protein forms E258A, E70A, E134A.
Identifiers: ClinVar variation 4053244 (VCV004053244.1).

ClinVar aggregate classification (germline): Uncertain significance (1 of 4 stars; one submission).

Conditions:
Inborn genetic diseases. Identifiers: MedGen C0950123, MeSH D030342.

gnomAD v4.1: 1 of 1,614,114 alleles (0.000062%); highest among the groups gnomAD compares: Non-Finnish European, 0.000085%; no homozygotes.

Submission:

Ambry Genetics
Classification: Uncertain significance for Inborn genetic diseases. Last evaluated: 2025-05-10. Review status: criteria provided, single submitter. Criteria: Ambry Variant Classification Scheme 2023. Collection method: clinical testing. Allele origin: germline.
Comment: The p.E258A variant (also known as c.773A>C), located in coding exon 5 of the MECOM gene, results from an A to C substitution at nucleotide position 773. The glutamic acid at codon 258 is replaced by alanine, an amino acid with dissimilar properties. This amino acid position is conserved. In addition, this alteration is predicted to be tolerated by in silico analysis. Based on the available evidence, the clinical significance of this variant remains unclear.